The following is an entry in ClinVar:

NM_170682.4(P2RX2):c.986T>C (p.Val329Ala)

Gene: P2RX2 (purinergic receptor P2X 2; plus strand). Cytogenetic location: 12q24.33.
Variant type: single nucleotide variant.
Coding change: c.986T>C on transcript NM_170682.4 (MANE Select); coding-DNA position 986, T replaced by C.
Protein change: p.Val329Ala; replaces valine 329 with alanine.
Molecular consequence: missense variant.
Genome position (GRCh38, 1-based): chr12:132,621,335, T>C. VCF-style: chr12-132621335-T-C. GRCh37 (hg19) VCF-style: chr12-133197921-T-C.
Other names: c.884T>C, p.Val295Ala (NM_001282164.2); c.986T>C, p.Val329Ala (NM_001282165.2, NM_170683.4, NM_174873.3); c.770T>C, p.Val257Ala (NM_012226.5); c.914T>C, p.Val305Ala (NM_016318.4); c.710T>C, p.Val237Ala (NM_174872.3); short protein forms V329A, V237A, V257A, V295A, V305A.
Identifiers: ClinVar variation 3777471 (VCV003777471.2).

ClinVar aggregate classification (germline): Conflicting classifications of pathogenicity. Review status: criteria provided, conflicting classifications (1 of 4 stars). 2 submissions from 2 submitters: Uncertain significance (1); Likely benign (1). Last evaluated 2024-10-09.

gnomAD v4.1: 11 of 1,613,908 alleles (0.00068%); highest among the groups gnomAD compares: Non-Finnish European, 0.00093%; no homozygotes.

Submissions (2):

GeneDx
Classification: Uncertain significance. Last evaluated: 2024-10-09. Review status: criteria provided, single submitter. Criteria: GeneDx Variant Classification Process June 2021. Collection method: clinical testing. Allele origin: germline. Affected: yes.
Comment: In silico analysis supports that this missense variant has a deleterious effect on protein structure/function; Has not been previously published as pathogenic or benign to our knowledge

Blueprint Genetics
Classification: Likely benign. Last evaluated: 2024-02-13. Review status: criteria provided, single submitter. Criteria: ACMG Guidelines, 2015. Collection method: clinical testing. Allele origin: germline.